The following is an entry in ClinVar:

ClinVar aggregate classification (germline): Conflicting classifications of pathogenicity. Review status: criteria provided, conflicting classifications (1 of 4 stars). 4 submissions from 4 submitters: Likely pathogenic (3); Uncertain significance (1). Last evaluated 2024-04-12.

Conditions:
MYH7-related disorder. Also called: MYH7-related disorders; MYH7-related condition; MYH7-related disease.
Dilated cardiomyopathy 1S (CMD1S). Identifiers: Orphanet 154, Orphanet 54260, MedGen C1834481, MONDO:0013262, OMIM 613426.
Primary dilated cardiomyopathy (DCM). Also called: Dilated Cardiomyopathy. Identifiers: Orphanet 217604, MedGen C0007193, MeSH D002311, MONDO:0005021, HP:0001644. Inheritance: Various modes of inheritance.
Hypertrophic cardiomyopathy. Also called: HYPERTROPHIC MYOCARDIOPATHY. Identifiers: Orphanet 217569, MedGen C0007194, MeSH D002312, MONDO:0005045, HP:0001639.

Submissions (4):

Labcorp Genetics (formerly Invitae), Labcorp
Classification: Uncertain significance for Hypertrophic cardiomyopathy. Last evaluated: 2024-04-12. Review status: criteria provided, single submitter. Criteria: Invitae Variant Classification Sherloc (09022015). Collection method: clinical testing. Allele origin: germline.
Comment: This sequence change replaces asparagine, which is neutral and polar, with lysine, which is basic and polar, at codon 597 of the MYH7 protein (p.Asn597Lys). This variant is not present in population databases (gnomAD no frequency). This missense change has been observed in individual(s) with dilated cardiomyopathy (PMID: 24503780, 31931689; Invitae). ClinVar contains an entry for this variant (Variation ID: 42866). Advanced modeling of protein sequence and biophysical properties (such as structural, functional, and spatial information, amino acid conservation, physicochemical variation, residue mobility, and thermodynamic stability) performed at Invitae indicates that this missense variant is expected to disrupt MYH7 protein function with a positive predictive value of 95%. In summary, the available evidence is currently insufficient to determine the role of this variant in disease. Therefore, it has been classified as a Variant of Uncertain Significance.

Victorian Clinical Genetics Services, Murdoch Childrens Research Institute
Classification: Likely pathogenic for Dilated cardiomyopathy 1S. Last evaluated: 2022-06-24. Review status: criteria provided, single submitter. Criteria: ACMG Guidelines, 2015. Collection method: clinical testing. Allele origin: germline. Inheritance: Autosomal dominant inheritance. Affected: yes.
Comment: Based on the classification scheme VCGS_Germline_v1.3.4, this variant is classified as Likely pathogenic. Following criteria are met: 0105 - The mechanism of disease for this gene is not clearly established; however, missense variants have been proposed to act in a dominant negative manner (PMID: 24714796). (I) 0108 - This gene is associated with both recessive and dominant disease. Pathogenic variants in this gene are usually heterozygous; however, a recessive inheritance pattern has been observed in severe cases (OMIM). (I) 0112 - The condition associated with this gene has incomplete penetrance (PMID: 29300372). (I) 0200 - Variant is predicted to result in a missense amino acid change from asparagine to lysine. (I) 0251 - This variant is heterozygous. (I) 0301 - Variant is absent from gnomAD (both v2 and v3). (SP) 0501 - Missense variant consistently predicted to be damaging by multiple in silico tools or highly conserved with a major amino acid change. (SP) 0602 - Variant is located in a hotspot region or cluster of pathogenic variants. This variant is found within the head region, which is enriched with pathogenic missense variants (PMID: 29300372). (SP) 0710 - Other missense variants comparable to the one identified in this case have inconclusive previous evidence for pathogenicity. p.(Asn597Tyr) and p.(Asn597Ser) have been regarded as VUS (ClinVar, LOVD). (I) 0803 - This variant has limited previous evidence of pathogenicity in two unrelated individuals (ClinVar, LOVD, PMIDs: 24503780, 27532257, 31931689). An alternative nucleotide change resulting in the same amino acid was regarded as a VUS for HCM (ClinVar). (SP) 0905 - No published segregation evidence has been identified for this variant. (I) 1007 - No published functional evidence has been identified for this variant. (I) 1208 - Inheritance information for this variant is not currently available in this individual. (I) Legend: (SP) - Supporting pathogenic, (I) - Information, (SB) - Supporting benign

Laboratory for Molecular Medicine, Mass General Brigham Personalized Medicine
Classification: Likely pathogenic for Primary dilated cardiomyopathy. Last evaluated: 2018-04-25. Review status: criteria provided, single submitter. Criteria: LMM Criteria. Collection method: clinical testing. Allele origin: germline. Observed: 1 variant allele.
Comment: proposed classification - variant undergoing re-assessment, contact laboratory

Blueprint Genetics
Classification: Likely pathogenic for MYH7-related disorders. Last evaluated: 2018-03-08. Review status: criteria provided, single submitter. Criteria: ACMG Guidelines, 2015. Collection method: clinical testing. Allele origin: germline. Affected: yes. Observed: 1 variant allele.

Literature cited by the submitters: PubMed 24503780 (cited by Labcorp Genetics (formerly Invitae), Labcorp and Victorian Clinical Genetics Services, Murdoch Childrens Research Institute); PubMed 31931689 (cited by Labcorp Genetics (formerly Invitae), Labcorp and Victorian Clinical Genetics Services, Murdoch Childrens Research Institute); PubMed 24714796 (cited by Victorian Clinical Genetics Services, Murdoch Childrens Research Institute); PubMed 27532257 (cited by Victorian Clinical Genetics Services, Murdoch Childrens Research Institute); PubMed 29300372 (cited by Victorian Clinical Genetics Services, Murdoch Childrens Research Institute).

NM_000257.4(MYH7):c.1791C>A (p.Asn597Lys)

Gene: MYH7 (myosin heavy chain 7; minus strand). Cytogenetic location: 14q11.2.
Variant type: single nucleotide variant.
Coding change: c.1791C>A on transcript NM_000257.4 (MANE Select); coding-DNA position 1791, C replaced by A.
Protein change: p.Asn597Lys; replaces asparagine 597 with lysine.
Molecular consequence: missense variant.
Genome position (GRCh38, 1-based): chr14:23,427,682, G>T on the plus strand (C>A on the coding strand, the complement: MYH7 is on the minus strand). VCF-style: chr14-23427682-G-T. GRCh37 (hg19) VCF-style: chr14-23896891-G-T.
Other names: short protein forms N597K.
Identifiers: ClinVar variation 42866 (VCV000042866.11), dbSNP rs397516122, ClinGen allele CA011255.
Genomic context (GRCh38, chr14:23,427,682, plus strand): 5'-GAGCAGCTTGAGGGAAGACTTCTGATACAAGCCCACGACAGTCTCATTGAGAGGATCCTT[G>T]TTCTTCTGCAGCCAGCCAATGATGTTGTAGTCCACGATGCCGGCATAGTGGATCAGGGAG-3'
Protein context (NP_000248.2, residues 587-607): DYNIIGWLQK[Asn597Lys]KDPLNETVVG